The following is an entry in ClinVar:

NM_016507.4(CDK12):c.631A>G (p.Lys211Glu)

Genes: CDK12 (cyclin dependent kinase 12; plus strand), LOC126862553 (CDK7 strongly-dependent group 2 enhancer GRCh37_chr17:37618166-37619365; plus strand). Cytogenetic location: 17q12.
Variant type: single nucleotide variant.
Coding change: c.631A>G on transcript NM_016507.4 (MANE Select); coding-DNA position 631, A replaced by G.
Protein change: p.Lys211Glu; replaces lysine 211 with glutamic acid.
Molecular consequence: missense variant.
Genome position (GRCh38, 1-based): chr17:39,462,702, A>G. VCF-style: chr17-39462702-A-G. GRCh37 (hg19) VCF-style: chr17-37618955-A-G.
Other names: c.631A>G, p.Lys211Glu (NM_015083.4); short protein forms K211E.
Identifiers: ClinVar variation 4651466 (VCV004651466.1).

ClinVar aggregate classification (germline): Uncertain significance (1 of 4 stars; one submission).

gnomAD v4.1: 4 of 1,614,236 alleles (0.00025%); highest among the groups gnomAD compares: Non-Finnish European, 0.00025%; no homozygotes.

Submission:

Ambry Genetics
Classification: Uncertain significance. Last evaluated: 2025-11-25. Review status: criteria provided, single submitter. Criteria: Ambry Variant Classification Scheme 2023. Collection method: clinical testing. Allele origin: germline.
Comment: The p.K211E variant (also known as c.631A>G), located in coding exon 1 of the CDK12 gene, results from an A to G substitution at nucleotide position 631. The lysine at codon 211 is replaced by glutamic acid, an amino acid with similar properties. This amino acid position is conserved. In addition, this alteration is predicted to be tolerated by in silico analysis. Based on the available evidence, the clinical significance of this variant remains unclear.